The following is an entry in ClinVar:

ClinVar aggregate classification (germline): Likely pathogenic (1 of 4 stars; one submission).

Conditions:
C1S-related disorder. Also called: C1S-related condition.

gnomAD v4.1: 6 of 1,612,770 alleles (0.00037%); highest among the groups gnomAD compares: Non-Finnish European, 0.00042%; no homozygotes.

Submission:

PreventionGenetics, part of Exact Sciences
Classification: Likely pathogenic for C1S-related condition. Last evaluated: 2024-12-30. Review status: criteria provided, single submitter. Criteria: ACMG Guidelines, 2015. Collection method: clinical testing. Allele origin: germline.
Comment: The C1S c.750C>G variant is predicted to result in premature protein termination (p.Tyr250*). This variant in the compound heterozygous condition along with a second variant in this gene has been reported in an individual with systemic lupus erythematosus (Kleer et al. 2023. PubMed ID: 38469558). This variant has not been reported in a large population database (gnomAD), indicating this variant is rare. This variant is interpreted as likely pathogenic for autosomal recessive systemic lupus erythematosus/C1S-related deficiency and uncertain for autosomal dominant periodontal Ehlers-Danlos Syndrome.

NM_001734.5(C1S):c.750C>G (p.Tyr250Ter)

Gene: C1S (complement C1s; plus strand). Cytogenetic location: 12p13.31.
Variant type: single nucleotide variant.
Coding change: c.750C>G on transcript NM_001734.5 (MANE Select); coding-DNA position 750, C replaced by G.
Protein change: p.Tyr250Ter; replaces tyrosine 250 with a stop codon.
Molecular consequence: nonsense.
Genome position (GRCh38, 1-based): chr12:7,065,849, C>G. VCF-style: chr12-7065849-C-G. GRCh37 (hg19) VCF-style: chr12-7173153-C-G.
Other names: c.249C>G, p.Tyr83Ter (NM_001346850.2); c.750C>G, p.Tyr250Ter (NM_201442.4); short protein forms Y250*, Y83*.
Identifiers: ClinVar variation 4978425 (VCV004978425.1).